The following is an entry in ClinVar:

ClinVar aggregate classification (germline): Uncertain significance (1 of 4 stars; one submission).

Conditions:
GNE myopathy (NM). Also called: INCLUSION BODY MYOPATHY 2, AUTOSOMAL RECESSIVE; MYOPATHY, DISTAL, WITH OR WITHOUT RIMMED VACUOLES; INCLUSION BODY MYOPATHY, HEREDITARY, AUTOSOMAL RECESSIVE; NONAKA DISTAL MYOPATHY; IBM 2; Inclusion body myopathy autosomal recessive. Identifiers: Orphanet 602, MedGen C1853926, MONDO:0011603, OMIM 605820.
Sialuria. Also called: Sialic Acid Storage Disease; SIALURIA, FRENCH TYPE. Identifiers: Orphanet 3166, MedGen C0342853, MONDO:0010028, OMIM 269921.

Submission:

Labcorp Genetics (formerly Invitae), Labcorp
Classification: Uncertain significance for Sialuria; GNE myopathy. Last evaluated: 2021-09-18. Review status: criteria provided, single submitter. Criteria: Invitae Variant Classification Sherloc (09022015). Collection method: clinical testing. Allele origin: germline.
Comment: This sequence change replaces cysteine with arginine at codon 419 of the GNE protein (p.Cys419Arg). The cysteine residue is highly conserved and there is a large physicochemical difference between cysteine and arginine. This variant is not present in population databases (ExAC no frequency). This variant has not been reported in the literature in individuals affected with GNE-related conditions. Algorithms developed to predict the effect of missense changes on protein structure and function (SIFT, PolyPhen-2, Align-GVGD) all suggest that this variant is likely to be disruptive. In summary, the available evidence is currently insufficient to determine the role of this variant in disease. Therefore, it has been classified as a Variant of Uncertain Significance.

NM_005476.7(GNE):c.1162T>C (p.Cys388Arg)

Gene: GNE (glucosamine (UDP-N-acetyl)-2-epimerase/N-acetylmannosamine kinase; minus strand). Cytogenetic location: 9p13.3.
Variant type: single nucleotide variant.
Coding change: c.1162T>C on transcript NM_005476.7 (MANE Select); coding-DNA position 1162, T replaced by C.
Protein change: p.Cys388Arg; replaces cysteine 388 with arginine.
Molecular consequence: missense variant.
Genome position (GRCh38, 1-based): chr9:36,227,367, A>G on the plus strand (T>C on the coding strand, the complement: GNE is on the minus strand). VCF-style: chr9-36227367-A-G. GRCh37 (hg19) VCF-style: chr9-36227364-A-G.
Other names: c.1255T>C, p.Cys419Arg (NM_001128227.3); c.1162T>C, p.Cys388Arg (NM_001190383.3); c.832T>C, p.Cys278Arg (NM_001190384.3); c.985T>C, p.Cys329Arg (NM_001190388.2, NM_001374798.1); c.1009T>C, p.Cys337Arg (NM_001374797.1); short protein forms C278R, C337R, C419R, C388R, C329R.
Identifiers: ClinVar variation 1438867 (VCV001438867.6), dbSNP rs2133041837, ClinGen allele CA373428889.
Genomic context (GRCh38, chr9:36,227,367, plus strand): 5'-TTAGAGTTTCAAGAATATGGTCAATATCTTGAGAGATATTCTCCTTCACAGGAGGAAAGC[A>G]GAATTTCTTTTGCAGTGGCTCTTGAAGATCGATAGATTTGAGAAACTTCAAAATCCTTGG-3'
Protein context (NP_005467.1, residues 378-398): DLQEPLQKKF[Cys388Arg]FPPVKENISQ